The following is an entry in ClinVar:

NM_015340.4(LARS2):c.507C>T (p.Ser169=)

Gene: LARS2 (leucyl-tRNA synthetase 2, mitochondrial; plus strand). Cytogenetic location: 3p21.31.
Variant type: single nucleotide variant.
Coding change: c.507C>T on transcript NM_015340.4 (MANE Select); coding-DNA position 507, C replaced by T.
Protein change: p.Ser169=; no amino-acid change (serine 169 retained).
Molecular consequence: synonymous variant.
Genome position (GRCh38, 1-based): chr3:45,419,720, C>T. VCF-style: chr3-45419720-C-T. GRCh37 (hg19) VCF-style: chr3-45461212-C-T.
Other names: c.507C>T (NM_015340.3); c.507C>T, p.Ser169= (NM_001368263.1).
Identifiers: ClinVar variation 2896271 (VCV002896271.4), dbSNP rs777455679, ClinGen allele CA2349327.
Genomic context (GRCh38, chr3:45,419,720, plus strand): 5'-GTTTCACAGTAATATTAAACACATGAGGAAACAGCTTGATCGTCTGGGCCTGTGTTTCAG[C>T]TGGGATAGGGTAAGTCAACTCTTTTTCCTGAAAGGTCGTCATTTTAAGGAAGGACTTGAT-3'
Protein context (NP_056155.1, residues 159-179): KQLDRLGLCF[Ser169=]WDREITTCLP

ClinVar aggregate classification (germline): Conflicting classifications of pathogenicity. Review status: criteria provided, conflicting classifications (1 of 4 stars). 2 submissions from 2 submitters: Uncertain significance (1); Likely benign (1). Last evaluated 2026-01-02.

Allele frequency attached by ClinVar (database versions not stated): TOPMed 0.00005; ExAC 0.00008; gnomAD 0.00004; gnomAD exomes 0.00001.
gnomAD v4.1: 23 of 1,612,990 alleles (0.0014%); highest among the groups gnomAD compares: East Asian, 0.051%; no homozygotes.

Submissions (2):

Labcorp Genetics (formerly Invitae), Labcorp
Classification: Likely benign. Last evaluated: 2026-01-02. Review status: criteria provided, single submitter. Criteria: Invitae Variant Classification Sherloc (09022015). Collection method: clinical testing. Allele origin: germline.

GeneDx
Classification: Uncertain significance. Last evaluated: 2024-12-05. Review status: criteria provided, single submitter. Criteria: GeneDx Variant Classification Process June 2021. Collection method: clinical testing. Allele origin: germline. Affected: yes.
Comment: In silico analysis indicates that this variant does not alter splicing; Has not been previously published as pathogenic or benign to our knowledge